The following is an entry in ClinVar:

NM_000709.4(BCKDHA):c.511del (p.Leu171fs)

Gene: BCKDHA (branched chain keto acid dehydrogenase E1 subunit alpha; plus strand). Cytogenetic location: 19q13.2.
Variant type: Deletion.
Coding change: c.511del on transcript NM_000709.4 (MANE Select); coding-DNA position 511, one base deleted (C; older notation c.511delC).
Protein change: p.Leu171fs; shifts the reading frame from leucine 171.
Molecular consequence: frameshift variant.
Genome position (GRCh38, 1-based): chr19:41,419,161, C deleted; the last of 5 consecutive C bases (chr19:41,419,157-41,419,161); deleting any one gives the same sequence. VCF-style (leftmost placement, unchanged base first): chr19-41419156-AC-A. GRCh37 (hg19) VCF-style: chr19-41925061-AC-A.
Other names: c.511del, p.Leu171fs (NM_001164783.2); short protein forms L171fs.
Identifiers: ClinVar variation 517592 (VCV000517592.15), dbSNP rs762084007, ClinGen allele CA9461189.

ClinVar aggregate classification (germline): Pathogenic/Likely pathogenic. Review status: criteria provided, multiple submitters, no conflicts (2 of 4 stars). 4 submissions from 4 submitters: Pathogenic (3); Likely pathogenic (1). Last evaluated 2025-12-03.

Conditions:
Maple syrup urine disease (MSUD). Identifiers: Orphanet 511, MedGen C0024776, MeSH D008375, MONDO:0009563. Disease mechanism: loss of function.
Maple syrup urine disease type 1A (MSUD1A). Also called: MSUD type 1A. Identifiers: MedGen C1855369, MONDO:0023691, OMIM 248600.

Submissions (4):

Labcorp Genetics (formerly Invitae), Labcorp
Classification: Pathogenic for Maple syrup urine disease. Last evaluated: 2025-12-03. Review status: criteria provided, single submitter. Criteria: Invitae Variant Classification Sherloc (09022015). Collection method: clinical testing. Allele origin: germline.
Comment: This sequence change creates a premature translational stop signal (p.Leu171Trpfs*159) in the BCKDHA gene. It is expected to result in an absent or disrupted protein product. Loss-of-function variants in BCKDHA are known to be pathogenic (PMID: 16786533, 22593002). This variant is present in population databases (rs762084007, gnomAD 0.01%). This premature translational stop signal has been observed in individual(s) with maple syrup urine disease (PMID: 31980395). ClinVar contains an entry for this variant (Variation ID: 517592). For these reasons, this variant has been classified as Pathogenic.

Fulgent Genetics
Classification: Pathogenic for Maple syrup urine disease type 1A. Last evaluated: 2024-04-13. Review status: criteria provided, single submitter. Criteria: ACMG Guidelines, 2015. Collection method: clinical testing. Allele origin: germline.

Genome-Nilou Lab
Classification: Pathogenic for Maple syrup urine disease type 1A. Last evaluated: 2021-11-07. Review status: criteria provided, single submitter. Criteria: ACMG Guidelines, 2015. Collection method: clinical testing. Allele origin: germline. Affected: no.

Laboratory for Molecular Medicine, Mass General Brigham Personalized Medicine
Classification: Likely pathogenic for Maple syrup urine disease. Last evaluated: 2017-10-05. Review status: criteria provided, single submitter. Criteria: LMM Criteria. Collection method: clinical testing. Allele origin: germline. Inheritance: Autosomal recessive inheritance. Observed: 1 variant allele.
Comment: The p.Leu171TrpfsX159 (NM_000709.3 c.511delC) variant in BCKDHA has not been pre viously reported in individuals with maple syrup urine disease. It has been iden tified in 3/30782 South Asian chromosomes by the Genome Aggregation Database (rs762084007). This variant is predicted to cause a frameshift, which alters the protein?s amino acid sequence beginning at posit ion 171 and leads to a premature termination codon 159 amino acids downstream. T his alteration is then predicted to lead to a truncated or absent protein. Biall elic loss of function of the BCKDHA gene is associated with maple syrup urine di sease. In summary, although additional studies are required to fully establish a null impact, the p.Leu171TrpfsX159 variant is likely pathogenic for maple syrup urine disease in an autosomal recessive manner based on its predicted impact on the protein. ACMG/AMP Criteria applied: PVS1; PM2 (Richards 2015).

Literature cited by the submitters: PubMed 16786533 (cited by Labcorp Genetics (formerly Invitae), Labcorp); PubMed 22593002 (cited by Labcorp Genetics (formerly Invitae), Labcorp); PubMed 31980395 (cited by Labcorp Genetics (formerly Invitae), Labcorp).